The following is an entry in ClinVar:

NM_017617.5(NOTCH1):c.3456C>G (p.Ser1152Arg)

Gene: NOTCH1 (notch receptor 1; minus strand). Cytogenetic location: 9q34.3.
Variant type: single nucleotide variant.
Coding change: c.3456C>G on transcript NM_017617.5 (MANE Select); coding-DNA position 3456, C replaced by G.
Protein change: p.Ser1152Arg; replaces serine 1152 with arginine.
Molecular consequence: missense variant.
Genome position (GRCh38, 1-based): chr9:136,508,009, G>C on the plus strand (C>G on the coding strand, the complement: NOTCH1 is on the minus strand). VCF-style: chr9-136508009-G-C. GRCh37 (hg19) VCF-style: chr9-139402461-G-C.
Other names: short protein forms S1152R.
Identifiers: ClinVar variation 2452198 (VCV002452198.3), dbSNP rs1354855330, ClinGen allele CA375551092.
Genomic context (GRCh38, chr9:136,508,009, plus strand): 5'-CCCCACCTTGCAGGAGTAGCCGCCCAGGTAGTCCGTGCAGGTGGCCCCGTTCTGGCAGGG[G>C]CTGGGTGAGCACTCGTCCACCAGGTCCTCACAGTAGCTGCCTGTGTAGCCCGCCTGGCAG-3'
Protein context (NP_060087.3, residues 1142-1162): CEDLVDECSP[Ser1152Arg]PCQNGATCTD

ClinVar aggregate classification (germline): Uncertain significance. Review status: criteria provided, multiple submitters, no conflicts (2 of 4 stars). 2 submissions from 2 submitters: Uncertain significance (2). Last evaluated 2026-01-26.

Conditions:
Familial thoracic aortic aneurysm and aortic dissection (TAAD). Also called: Thoracic aortic aneurysms and dissections. Identifiers: Orphanet 91387, MedGen C4707243, MONDO:0019625.
Adams-Oliver syndrome 5 (AOS5). Identifiers: Orphanet 974, MedGen C4014970, MONDO:0014459, OMIM 616028.

Allele frequency attached by ClinVar (database versions not stated): gnomAD exomes below 0.00001; TOPMed below 0.00001; gnomAD 0.00001.
gnomAD v4.1: 5 of 1,612,442 alleles (0.00031%); highest among the groups gnomAD compares: Non-Finnish European, 0.00034%; no homozygotes.

Submissions (2):

Labcorp Genetics (formerly Invitae), Labcorp
Classification: Uncertain significance for Adams-Oliver syndrome 5. Last evaluated: 2026-01-26. Review status: criteria provided, single submitter. Criteria: Invitae Variant Classification Sherloc (09022015). Collection method: clinical testing. Allele origin: germline.
Comment: This sequence change replaces serine, which is neutral and polar, with arginine, which is basic and polar, at codon 1152 of the NOTCH1 protein (p.Ser1152Arg). This variant is not present in population databases (gnomAD no frequency). This variant has not been reported in the literature in individuals affected with NOTCH1-related conditions. ClinVar contains an entry for this variant (Variation ID: 2452198). Invitae Evidence Modeling of protein sequence and biophysical properties (such as structural, functional, and spatial information, amino acid conservation, physicochemical variation, residue mobility, and thermodynamic stability) indicates that this missense variant is not expected to disrupt NOTCH1 protein function with a negative predictive value of 80%. In summary, the available evidence is currently insufficient to determine the role of this variant in disease. Therefore, it has been classified as a Variant of Uncertain Significance.

Ambry Genetics
Classification: Uncertain significance for Familial thoracic aortic aneurysm and aortic dissection. Last evaluated: 2023-03-07. Review status: criteria provided, single submitter. Criteria: Ambry Variant Classification Scheme 2023. Collection method: clinical testing. Allele origin: germline.
Comment: The p.S1152R variant (also known as c.3456C>G), located in coding exon 21 of the NOTCH1 gene, results from a C to G substitution at nucleotide position 3456. The serine at codon 1152 is replaced by arginine, an amino acid with dissimilar properties. This amino acid position is conserved. In addition, this alteration is predicted to be tolerated by in silico analysis. Since supporting evidence is limited at this time, the clinical significance of this alteration remains unclear.